The following is an entry in ClinVar:

ClinVar aggregate classification (germline): Conflicting classifications of pathogenicity. Review status: criteria provided, conflicting classifications (1 of 4 stars). 14 submissions from 14 submitters: Uncertain significance (4); Benign (1); Likely benign (4). 5 of the submissions do not count toward it. Last evaluated 2026-08-01.

Conditions:
SMARCAL1-related disorder. Also called: SMARCAL1-related condition.
Kidney disorder. Also called: Kidney disease; Kidney Diseases; renal disorder; renal disease; Nephropathy. Identifiers: MedGen C0022658, MONDO:0005240, HP:0000112.
Schimke immuno-osseous dysplasia (SIOD). Also called: Schimke Immunoosseous Dysplasia. Identifiers: Orphanet 1830, MedGen C0877024, MONDO:0009458, OMIM 242900.

Allele frequency attached by ClinVar (database versions not stated): 1000 Genomes Project 30x 0.00094; 1000 Genomes Project 0.00120; ESP Exome Variant Server 0.00185; gnomAD 0.00205 and 0.00215; gnomAD exomes 0.00229 and 0.00312; ExAC 0.00232; TOPMed 0.00238.
gnomAD v4.1: 4,859 of 1,614,204 alleles (0.3%); highest among the groups gnomAD compares: Non-Finnish European, 0.36%; 12 homozygotes.

Submissions (14):

CeGaT Center for Human Genetics Tuebingen
Classification: Likely benign. Last evaluated: 2026-08-01. Review status: criteria provided, single submitter. Criteria: CeGaT Center For Human Genetics Tuebingen Variant Classification Criteria Version 2. Collection method: clinical testing. Allele origin: germline. Affected: yes. Observed: 6 variant alleles.
Comment: SMARCAL1: BS2

Labcorp Genetics (formerly Invitae), Labcorp
Classification: Benign for Schimke immuno-osseous dysplasia. Last evaluated: 2026-02-03. Review status: criteria provided, single submitter. Criteria: Invitae Variant Classification Sherloc (09022015). Collection method: clinical testing. Allele origin: germline.

GeneDx
Classification: Uncertain significance. Last evaluated: 2025-12-10. Review status: criteria provided, single submitter. Criteria: GeneDx Variant Classification Process June 2021. Collection method: clinical testing. Allele origin: germline.
Comment: In silico analysis supports that this missense variant has a deleterious effect on protein structure/function; Has not been previously published as pathogenic or benign to our knowledge

Mayo Clinic Laboratories, Mayo Clinic
Classification: Likely benign. Last evaluated: 2025-08-25. Review status: criteria provided, single submitter. Criteria: ACMG Guidelines, 2015. Collection method: clinical testing. Allele origin: germline. Observed: 1 variant allele.
Comment: BS1_supporting, BS2

Blueprint Genetics
Classification: Uncertain significance. Last evaluated: 2024-11-19. Review status: criteria provided, single submitter. Criteria: ACMG Guidelines, 2015. Collection method: clinical testing. Allele origin: germline.

Center for Genomics, Ann and Robert H. Lurie Children's Hospital of Chicago
Classification: Uncertain significance for Schimke immuno-osseous dysplasia. Last evaluated: 2021-03-30. Review status: criteria provided, single submitter. Criteria: ACMG Guidelines, 2015. Collection method: clinical testing. Allele origin: germline.
Comment: SMARCAL1 NM_014140.3 exon 7 p.Asp424Val (c.1271A>T):This variant has not been reported in the literature but is present in 0.3% (453/129196) of European alleles, including 2 homozygotes in the Genome Aggregation Database. This variant is present in ClinVar, with several labs classifying this variant as Likely Benign or Benign (Variation ID:283080). Evolutionary conservation suggests that this variant may impact the protein; computational predictive tools for this variant are unclear. In summary, data on this variant suggests that this variant does not cause disease, but requires further evidence. Therefore, the clinical significance of this variant is uncertain.

Illumina Laboratory Services, Illumina
Classification: Likely benign for Schimke immuno-osseous dysplasia. Last evaluated: 2018-01-12. Review status: criteria provided, single submitter. Criteria: ICSL Variant Classification Criteria 13 December 2019. Collection method: clinical testing. Allele origin: germline.
Comment: This variant was observed in the ICSL laboratory as part of a predisposition screen in an ostensibly healthy population. It had not been previously curated by ICSL or reported in the Human Gene Mutation Database (HGMD: prior to June 1st, 2018), and was therefore a candidate for classification through an automated scoring system. Utilizing variant allele frequency, disease prevalence and penetrance estimates, and inheritance mode, an automated score was calculated to assess if this variant is too frequent to cause the disease. Based on the score and internal cut-off values, a variant classified as likely benign is not then subjected to further curation. The score for this variant resulted in a classification of likely benign for this disease.

Genome Diagnostics Laboratory, The Hospital for Sick Children
Classification: Uncertain significance for Kidney disorder. Last evaluated: 2016-12-12. Review status: criteria provided, single submitter. Criteria: ACMG Guidelines, 2015. Collection method: clinical testing. Allele origin: germline.

Eurofins Ntd Llc (ga)
Classification: Likely benign. Last evaluated: 2015-09-21. Review status: criteria provided, single submitter. Criteria: EGL Classification Definitions 2015. Collection method: clinical testing. Allele origin: germline. Observed: 1 variant allele, 1 heterozygote.

PreventionGenetics, part of Exact Sciences
Classification: Likely benign for SMARCAL1-related condition. Last evaluated: 2020-06-05. Review status: no assertion criteria provided. Collection method: clinical testing. Allele origin: germline. Not counted in ClinVar's aggregate classification.
Comment: This variant is classified as likely benign based on ACMG/AMP sequence variant interpretation guidelines (Richards et al. 2015 PMID: 25741868, with internal and published modifications).

Natera, Inc.
Classification: Benign for Schimke immuno-osseous dysplasia. Last evaluated: 2019-12-31. Review status: no assertion criteria provided. Collection method: clinical testing. Allele origin: germline. Not counted in ClinVar's aggregate classification.

Clinical Genetics DNA and cytogenetics Diagnostics Lab, Erasmus MC, Erasmus Medical Center
Classification: Likely benign. Review status: no assertion criteria provided. Collection method: clinical testing. Allele origin: germline. Affected: yes. Study: VKGL Data-share Consensus. Not counted in ClinVar's aggregate classification.

Genome Diagnostics Laboratory, University Medical Center Utrecht
Classification: Likely benign. Review status: no assertion criteria provided. Collection method: clinical testing. Allele origin: germline. Affected: yes. Study: VKGL Data-share Consensus. Not counted in ClinVar's aggregate classification.

Laboratory of Diagnostic Genome Analysis, Leiden University Medical Center (LUMC)
Classification: Likely benign. Review status: no assertion criteria provided. Collection method: clinical testing. Allele origin: germline. Affected: yes. Study: VKGL Data-share Consensus. Not counted in ClinVar's aggregate classification.

NM_014140.4(SMARCAL1):c.1271A>T (p.Asp424Val)

Gene: SMARCAL1 (SNF2 related chromatin remodeling annealing helicase 1; plus strand). Cytogenetic location: 2q35.
Variant type: single nucleotide variant.
Coding change: c.1271A>T on transcript NM_014140.4 (MANE Select); coding-DNA position 1271, A replaced by T.
Protein change: p.Asp424Val; replaces aspartic acid 424 with valine.
Molecular consequence: missense variant.
Genome position (GRCh38, 1-based): chr2:216,428,719, A>T. VCF-style: chr2-216428719-A-T. GRCh37 (hg19) VCF-style: chr2-217293442-A-T.
Other names: c.1271A>T, p.Asp424Val (NM_001127207.2); short protein forms D424V.
Identifiers: ClinVar variation 283080 (VCV000283080.65), dbSNP rs2066520, ClinGen allele CA2097824.